The following is an entry in ClinVar:

NM_004260.4(RECQL4):c.3190C>T (p.Arg1064Cys)

Gene: RECQL4 (RecQ like helicase 4; minus strand). Cytogenetic location: 8q24.3.
Variant type: single nucleotide variant.
Coding change: c.3190C>T on transcript NM_004260.4 (MANE Select); coding-DNA position 3190, C replaced by T.
Protein change: p.Arg1064Cys; replaces arginine 1064 with cysteine.
Molecular consequence: missense variant.
Genome position (GRCh38, 1-based): chr8:144,512,190, G>A on the plus strand (C>T on the coding strand, the complement: RECQL4 is on the minus strand). VCF-style: chr8-144512190-G-A. GRCh37 (hg19) VCF-style: chr8-145737573-G-A.
Other names: short protein forms R1064C.
Identifiers: ClinVar variation 528925 (VCV000528925.5), dbSNP rs781751586, ClinGen allele CA4947894.

ClinVar aggregate classification (germline): Uncertain significance (1 of 4 stars; one submission).

Conditions:
Baller-Gerold syndrome (BGS). Also called: CRANIOSYNOSTOSIS WITH RADIAL DEFECTS. Identifiers: Orphanet 1225, MedGen C0265308, MONDO:0009039, OMIM 218600.

Allele frequency attached by ClinVar (database versions not stated): TOPMed below 0.00001; ExAC 0.00007.
gnomAD v4.1: 38 of 1,611,944 alleles (0.0024%); highest among the groups gnomAD compares: South Asian, 0.029%; 2 homozygotes.

Submission:

Labcorp Genetics (formerly Invitae), Labcorp
Classification: Uncertain significance for Baller-Gerold syndrome. Last evaluated: 2025-12-02. Review status: criteria provided, single submitter. Criteria: Invitae Variant Classification Sherloc (09022015). Collection method: clinical testing. Allele origin: germline.
Comment: This sequence change replaces arginine, which is basic and polar, with cysteine, which is neutral and slightly polar, at codon 1064 of the RECQL4 protein (p.Arg1064Cys). This variant is present in population databases (rs781751586, gnomAD 0.04%), including at least one homozygous and/or hemizygous individual. This variant has not been reported in the literature in individuals affected with RECQL4-related conditions. ClinVar contains an entry for this variant (Variation ID: 528925). Invitae Evidence Modeling of protein sequence and biophysical properties (such as structural, functional, and spatial information, amino acid conservation, physicochemical variation, residue mobility, and thermodynamic stability) indicates that this missense variant is not expected to disrupt RECQL4 protein function with a negative predictive value of 80%. In summary, the available evidence is currently insufficient to determine the role of this variant in disease. Therefore, it has been classified as a Variant of Uncertain Significance.